The following is an entry in ClinVar:

NM_002397.5(MEF2C):c.810+199T>A

Gene: MEF2C (myocyte enhancer factor 2C; minus strand). Cytogenetic location: 5q14.3.
Variant type: single nucleotide variant.
Coding change: c.810+199T>A on transcript NM_002397.5 (MANE Select); 199 bases into the intron after coding-DNA position 810, T replaced by A.
Molecular consequence: intron variant.
Genome position (GRCh38, 1-based): chr5:88,731,530, A>T on the plus strand (T>A on the coding strand, the complement: MEF2C is on the minus strand). VCF-style: chr5-88731530-A-T. GRCh37 (hg19) VCF-style: chr5-88027347-A-T.
Other names: c.810+199T>A (NM_001364329.2, NM_001364330.2, NM_001364333.2 and 18 more transcripts); c.666+199T>A (NM_001364344.2, NM_001364354.2, NM_001364332.2 and 3 more transcripts); c.432+199T>A (NM_001364353.2, NM_001364356.2); c.804+199T>A (NM_001131005.2, NM_001364352.2, NM_001364343.2); c.864+199T>A (NM_001193347.1, NM_001364338.2); c.384+199T>A (NM_001364357.2).
Identifiers: ClinVar variation 683185 (VCV000683185.1), dbSNP rs45563631, ClinGen allele CA122608877.

ClinVar aggregate classification (germline): Benign (1 of 4 stars; one submission).

Allele frequency attached by ClinVar (database versions not stated): gnomAD exomes 0.00621; gnomAD 0.04734 and 0.05047; TOPMed 0.05245; 1000 Genomes Project 0.06002.
gnomAD v4.1: 9,471 of 513,124 alleles (1.8%); highest among the groups gnomAD compares: African/African-American, 16%; 612 homozygotes.

Submission:

GeneDx
Classification: Benign. Last evaluated: 2018-06-19. Review status: criteria provided, single submitter. Criteria: GeneDx Variant Classification (06012015). Collection method: clinical testing. Allele origin: germline. Affected: yes.
Comment: This variant is considered likely benign or benign based on one or more of the following criteria: it is a conservative change, it occurs at a poorly conserved position in the protein, it is predicted to be benign by multiple in silico algorithms, and/or has population frequency not consistent with disease.